The following is an entry in ClinVar:

ClinVar aggregate classification (germline): Uncertain significance (1 of 4 stars; one submission).

Conditions:
Cardiovascular phenotype. Identifiers: MedGen CN230736.

gnomAD v4.1: 1 of 1,486,068 alleles (0.000067%); highest among the groups gnomAD compares: South Asian, 0.0013%; no homozygotes.

Submission:

Ambry Genetics
Classification: Uncertain significance for Cardiovascular phenotype. Last evaluated: 2024-05-26. Review status: criteria provided, single submitter. Criteria: Ambry Variant Classification Scheme 2023. Collection method: clinical testing. Allele origin: germline.
Comment: The p.R995P variant (also known as c.2984G>C), located in coding exon 1 of the ZNF469 gene, results from a G to C substitution at nucleotide position 2984. The arginine at codon 995 is replaced by proline, an amino acid with dissimilar properties. This amino acid position is conserved. In addition, this alteration is predicted to be tolerated by in silico analysis. Based on the available evidence, the clinical significance of this variant remains unclear.

NM_001367624.2(ZNF469):c.2984G>C (p.Arg995Pro)

Gene: ZNF469 (zinc finger protein 469; plus strand). Cytogenetic location: 16q24.2.
Variant type: single nucleotide variant.
Coding change: c.2984G>C on transcript NM_001367624.2 (MANE Select); coding-DNA position 2984, G replaced by C.
Protein change: p.Arg995Pro; replaces arginine 995 with proline.
Molecular consequence: missense variant.
Genome position (GRCh38, 1-based): chr16:88,430,454, G>C. VCF-style: chr16-88430454-G-C. GRCh37 (hg19) VCF-style: chr16-88496862-G-C.
Other names: NM_001127464.1:c.2984G>C; short protein forms R995P.
Identifiers: ClinVar variation 3258273 (VCV003258273.1).
Genomic context (GRCh38, chr16:88,430,454, plus strand): 5'-CCTCCGGCCTGAGGCCCCGGAGGAACGACGGTCTCGGGGAGCGGCCCCCACCCCGTCCCC[G>C]GCGCCCTAGAACGCAGGCCCCCGGGAGCCGCGCAGACCCCGCGCCCCGGGTCCCGAGAGC-3'
Protein context (NP_001354553.1, residues 985-1005): GLGERPPPRP[Arg995Pro]RPRTQAPGSR